The following is an entry in ClinVar:

ClinVar aggregate classification (germline): Likely pathogenic (1 of 4 stars; one submission).

Conditions:
Tyrosinemia type I (TYRSN1). Also called: FAH DEFICIENCY; Tyrosinemia type 1; Fumarylacetoacetase deficiency; Deficiency of fumarylacetoacetase; HEPATORENAL TYROSINEMIA. Identifiers: Orphanet 882, MedGen C0268490, MONDO:0010161, OMIM 276700. Disease mechanism: loss of function.

Submission:

Myriad Genetics, Inc.
Classification: Likely pathogenic for Tyrosinemia type I. Last evaluated: 2019-02-03. Review status: criteria provided, single submitter. Criteria: Myriad Women's Health Autosomal Recessive and X-Linked Classification Criteria (2019). Collection method: clinical testing. Allele origin: unknown.
Comment: NM_000137.2(FAH):c.919G>T(G307*) is expected to be pathogenic in the context of tyrosinemia type I. This variant is predicted to lead to an abnormal or absent protein product due to the creation of a premature termination codon in FAH, a gene where loss-of-function variants are known to be pathogenic. Please note: this variant was assessed in the context of healthy population screening.

NM_000137.4(FAH):c.919G>T (p.Gly307Ter)

Gene: FAH (fumarylacetoacetate hydrolase; plus strand). Cytogenetic location: 15q25.1.
Variant type: single nucleotide variant.
Coding change: c.919G>T on transcript NM_000137.4 (MANE Select); coding-DNA position 919, G replaced by T.
Protein change: p.Gly307Ter; replaces glycine 307 with a stop codon.
Molecular consequence: nonsense.
Genome position (GRCh38, 1-based): chr15:80,177,542, G>T. VCF-style: chr15-80177542-G-T. GRCh37 (hg19) VCF-style: chr15-80469884-G-T.
Other names: c.919G>T, p.Gly307Ter (NM_001374377.1, NM_001374380.1); short protein forms G307*.
Identifiers: ClinVar variation 983700 (VCV000983700.3), dbSNP rs2041294652, ClinGen allele CA393621537.